The following is an entry in ClinVar:

ClinVar aggregate classification (germline): Uncertain significance (1 of 4 stars; one submission).

Submission:

Labcorp Genetics (formerly Invitae), Labcorp
Classification: Uncertain significance. Last evaluated: 2022-04-11. Review status: criteria provided, single submitter. Criteria: Invitae Variant Classification Sherloc (09022015). Collection method: clinical testing. Allele origin: germline.
Comment: In summary, the available evidence is currently insufficient to determine the role of this variant in disease. Therefore, it has been classified as a Variant of Uncertain Significance. Algorithms developed to predict the effect of missense changes on protein structure and function (SIFT, PolyPhen-2, Align-GVGD) all suggest that this variant is likely to be disruptive. This variant has not been reported in the literature in individuals affected with PAFAH1B1-related conditions. This variant is not present in population databases (gnomAD no frequency). This sequence change replaces isoleucine, which is neutral and non-polar, with threonine, which is neutral and polar, at codon 200 of the PAFAH1B1 protein (p.Ile200Thr).

NM_000430.4(PAFAH1B1):c.599T>C (p.Ile200Thr)

Gene: PAFAH1B1 (platelet activating factor acetylhydrolase 1b regulatory subunit 1; plus strand). Cytogenetic location: 17p13.3.
Variant type: single nucleotide variant.
Coding change: c.599T>C on transcript NM_000430.4 (MANE Select); coding-DNA position 599, T replaced by C.
Protein change: p.Ile200Thr; replaces isoleucine 200 with threonine.
Molecular consequence: missense variant.
Genome position (GRCh38, 1-based): chr17:2,672,685, T>C. VCF-style: chr17-2672685-T-C. GRCh37 (hg19) VCF-style: chr17-2575979-T-C.
Other names: short protein forms I200T.
Identifiers: ClinVar variation 2124616 (VCV002124616.4), dbSNP rs2544102534, ClinGen allele CA397641179.
Genomic context (GRCh38, chr17:2,672,685, plus strand): 5'-TTCATAATATATTGCTGTTATGTGTTTTAGGCCATGACCACAATGTTTCTTCAGTAGCCA[T>C]CATGCCCAATGGAGATCATATAGTGTCTGCCTCAAGGGATAAAACTATAAAAATGTGGGA-3'
Protein context (NP_000421.1, residues 190-210): GHDHNVSSVA[Ile200Thr]MPNGDHIVSA